The following is an entry in ClinVar:

NM_004385.5(VCAN):c.4009A>G (p.Met1337Val)

Genes: VCAN (versican; plus strand), VCAN-AS1 (VCAN antisense RNA 1; minus strand). Cytogenetic location: 5q14.3.
Variant type: single nucleotide variant.
Coding change: c.4009A>G on transcript NM_004385.5 (MANE Select); coding-DNA position 4009, A replaced by G.
Protein change: p.Met1337Val; replaces methionine 1337 with valine.
Molecular consequence: missense variant. On other transcripts: intron variant (2).
Genome position (GRCh38, 1-based): chr5:83,537,012, A>G. VCF-style: chr5-83537012-A-G. GRCh37 (hg19) VCF-style: chr5-82832831-A-G.
Other names: c.1043-8525A>G (NM_001126336.3); c.1048A>G, p.Met350Val (NM_001164097.2); c.4004-8525A>G (NM_001164098.2); short protein forms M1337V, M350V.
Identifiers: ClinVar variation 2058470 (VCV002058470.4), dbSNP rs1461535040, ClinGen allele CA360307295.

ClinVar aggregate classification (germline): Uncertain significance (1 of 4 stars; one submission).

Allele frequency attached by ClinVar (database versions not stated): TOPMed below 0.00001; gnomAD 0.00001.

Submission:

Labcorp Genetics (formerly Invitae), Labcorp
Classification: Uncertain significance. Last evaluated: 2022-07-27. Review status: criteria provided, single submitter. Criteria: Invitae Variant Classification Sherloc (09022015). Collection method: clinical testing. Allele origin: germline.
Comment: This variant has not been reported in the literature in individuals affected with VCAN-related conditions. In summary, the available evidence is currently insufficient to determine the role of this variant in disease. Therefore, it has been classified as a Variant of Uncertain Significance. Algorithms developed to predict the effect of sequence changes on RNA splicing suggest that this variant may create or strengthen a splice site. Algorithms developed to predict the effect of missense changes on protein structure and function are either unavailable or do not agree on the potential impact of this missense change (SIFT: "Deleterious"; PolyPhen-2: "Possibly Damaging"; Align-GVGD: "Class C0"). This variant is not present in population databases (gnomAD no frequency). This sequence change replaces methionine, which is neutral and non-polar, with valine, which is neutral and non-polar, at codon 1337 of the VCAN protein (p.Met1337Val).